The following is an entry in ClinVar:

ClinVar aggregate classification (germline): Conflicting classifications of pathogenicity. Review status: criteria provided, conflicting classifications (1 of 4 stars). 2 submissions from 2 submitters: Likely pathogenic (1); Uncertain significance (1). Last evaluated 2023-06-22.

Conditions:
Congenital stationary night blindness 1B. Also called: Night blindness, congenital stationary (complete), 1B, autosomal recessive; NIGHT BLINDNESS, CONGENITAL STATIONARY, COMPLETE, AUTOSOMAL RECESSIVE. Identifiers: Orphanet 215, MedGen C1850362, MONDO:0009758, OMIM 257270.

gnomAD v4.1: 39 of 1,613,896 alleles (0.0024%); highest among the groups gnomAD compares: Non-Finnish European, 0.0032%; no homozygotes.

Submissions (2):

Neuberg Centre For Genomic Medicine, NCGM
Classification: Likely pathogenic for Congenital stationary night blindness 1B. Last evaluated: 2023-06-22. Review status: criteria provided, single submitter. Criteria: ACMG Guidelines, 2015. Collection method: clinical testing. Allele origin: germline. Inheritance: Autosomal recessive inheritance. Affected: yes.
Comment: The observed stop gained c.2560C>T(p.Arg854Ter) variant in GRM6 gene has not been reported previously as a pathogenic variant nor as a benign variant, to our knowledge. This variant is reported with the allele frequency of 0.0008% in the gnomAD Exomes. This variant is predicted to cause loss of normal protein function either through protein truncation or nonsense-mediated mRNA decay. Loss of function variants have been previously reported to be disease causing. Computational evidence (MutationTaster - Disease causing automatic) predicts damaging effect on protein structure and function for this variant. For these reasons, this variant has been classified as Likely Pathogenic. In the absence of variant status in spouse, the molecular diagnosis is not confirmed.

Blueprint Genetics
Classification: Uncertain significance. Last evaluated: 2022-07-29. Review status: criteria provided, single submitter. Criteria: ACMG Guidelines, 2015. Collection method: clinical testing. Allele origin: germline.

NM_000843.4(GRM6):c.2560C>T (p.Arg854Ter)

Genes: GRM6 (glutamate metabotropic receptor 6; minus strand), ZNF454 (zinc finger protein 454; plus strand). Cytogenetic location: 5q35.3.
Variant type: single nucleotide variant.
Coding change: c.2560C>T on transcript NM_000843.4 (MANE Select); coding-DNA position 2560, C replaced by T.
Protein change: p.Arg854Ter; replaces arginine 854 with a stop codon.
Molecular consequence: nonsense.
Genome position (GRCh38, 1-based): chr5:178,981,731, G>A on the plus strand (C>T on the coding strand, the complement: GRM6 is on the minus strand). VCF-style: chr5-178981731-G-A. GRCh37 (hg19) VCF-style: chr5-178408732-G-A.
Other names: short protein forms R854*.
Identifiers: ClinVar variation 3377670 (VCV003377670.2).